The following is an entry in ClinVar:

NM_000059.4(BRCA2):c.6463C>T (p.Leu2155Phe)

Gene: BRCA2 (BRCA2 DNA repair associated; plus strand). Cytogenetic location: 13q13.1.
Variant type: single nucleotide variant.
Coding change: c.6463C>T on transcript NM_000059.4 (MANE Select); coding-DNA position 6463, C replaced by T.
Protein change: p.Leu2155Phe; replaces leucine 2155 with phenylalanine.
Molecular consequence: missense variant.
Genome position (GRCh38, 1-based): chr13:32,340,818, C>T. VCF-style: chr13-32340818-C-T. GRCh37 (hg19) VCF-style: chr13-32914955-C-T.
Other names: short protein forms L2155F.
Identifiers: ClinVar variation 232716 (VCV000232716.7), dbSNP rs775035051, ClinGen allele CA10579697.

ClinVar aggregate classification (germline): Conflicting classifications of pathogenicity. Review status: criteria provided, conflicting classifications (1 of 4 stars). 2 submissions from 2 submitters: Uncertain significance (1); Likely benign (1). Last evaluated 2023-03-23.

Conditions:
Hereditary cancer-predisposing syndrome. Also called: Neoplastic Syndromes, Hereditary; Tumor predisposition; Hereditary Cancer Syndrome; Hereditary neoplastic syndrome. Identifiers: Orphanet 140162, MedGen C0027672, MeSH D009386, MONDO:0015356.

Submissions (2):

University of Washington Department of Laboratory Medicine, University of Washington
Classification: Likely benign for Hereditary cancer-predisposing syndrome. Last evaluated: 2023-03-23. Review status: criteria provided, single submitter. Criteria: Dines et al. (Genet Med. 2020). Collection method: curation. Allele origin: germline.
Comment: Missense variant in a coldspot region where missense variants are very unlikely to be pathogenic (PMID:31911673).

BRCA2 exon 11 coldspot. Reclassification based on statistical prior probability.

Ambry Genetics
Classification: Uncertain significance for Hereditary cancer-predisposing syndrome. Last evaluated: 2015-06-26. Review status: criteria provided, single submitter. Criteria: Ambry Variant Classification Scheme 2023. Collection method: clinical testing. Allele origin: germline.
Comment: The p.L2155F variant (also known as c.6463C>T and 6691C>T), located in coding exon 10 of the BRCA2 gene, results from a C to T substitution at nucleotide position 6463. The leucine at codon 2155 is replaced by phenylalanine, an amino acid with highly similar properties. This variant was not reported in population based cohorts in the following databases: Database of Single Nucleotide Polymorphisms (dbSNP), NHLBI Exome Sequencing Project (ESP), and 1000 Genomes Project. In the ESP, this variant was not observed in 6499 samples (12998 alleles) with coverage at this position. To date, this alteration has been detected with an allele frequency of approximately 0.001% (greater than 150000 alleles tested) in our clinical cohort. This amino acid position is not well conserved in available vertebrate species. In addition, this alteration is predicted to be tolerated by in silico analysis. Since supporting evidence is limited at this time, the clinical significance of p.L2155F remains unclear.